The following is an entry in ClinVar:

ClinVar aggregate classification (germline): Pathogenic (1 of 4 stars; one submission).

Conditions:
Familial aortopathy. Identifiers: MedGen CN078214.

Submission:

Women's Health and Genetics/Laboratory Corporation of America, LabCorp
Classification: Pathogenic for Familial aortopathy. Last evaluated: 2024-11-04. Review status: criteria provided, single submitter. Criteria: LabCorp Variant Classification Summary - May 2015. Collection method: clinical testing. Allele origin: germline.
Comment: Variant summary: TGFB2 c.235C>T (p.Gln79X) results in a premature termination codon, predicted to cause a truncation of the encoded protein or absence of the protein due to nonsense mediated decay, which are commonly known mechanisms for disease. The variant was absent in 249916 control chromosomes (gnomAD). To our knowledge, no occurrence of c.235C>T in individuals affected with Aortopathy and no experimental evidence demonstrating its impact on protein function have been reported. No submitters have cited clinical-significance assessments for this variant to ClinVar. Based on the evidence outlined above, the variant was classified as pathogenic.

NM_003238.6(TGFB2):c.235C>T (p.Gln79Ter)

Gene: TGFB2 (transforming growth factor beta 2; plus strand). Cytogenetic location: 1q41.
Variant type: single nucleotide variant.
Coding change: c.235C>T on transcript NM_003238.6 (MANE Select); coding-DNA position 235, C replaced by T.
Protein change: p.Gln79Ter; replaces glutamine 79 with a stop codon.
Molecular consequence: nonsense. On other transcripts: non-coding transcript variant (2).
Genome position (GRCh38, 1-based): chr1:218,346,936, C>T. VCF-style: chr1-218346936-C-T. GRCh37 (hg19) VCF-style: chr1-218520278-C-T.
Other names: c.235C>T, p.Gln79Ter (NM_001135599.4); short protein forms Q79*.
Identifiers: ClinVar variation 3629834 (VCV003629834.1).